The following is an entry in ClinVar:

ClinVar aggregate classification (germline): Uncertain significance (1 of 4 stars; one submission).

Submission:

Women's Health and Genetics/Laboratory Corporation of America, LabCorp
Classification: Uncertain significance. Last evaluated: 2025-10-28. Review status: criteria provided, single submitter. Criteria: LabCorp Variant Classification Summary - May 2015. Collection method: clinical testing. Allele origin: germline.
Comment: Variant summary: HJV c.863G>T (p.Arg288Leu) results in a non-conservative amino acid change in the encoded protein sequence. Algorithms developed to predict the effect of missense changes on protein structure and function are either unavailable or do not agree on the potential impact of this missense change. The variant was absent in 251484 control chromosomes. The available data on variant occurrences in the general population are insufficient to allow any conclusion about variant significance. To our knowledge, no occurrence of c.863G>T in individuals affected with HJV-related conditions and no experimental evidence demonstrating its impact on protein function have been reported. A different variant affecting the same codon has been classified as likely pathogenic by our lab (c.862C>T, p.Arg288Trp), supporting the critical relevance of codon 288 to HJV protein function. No submitters have cited clinical-significance assessments for this variant to ClinVar. Based on the evidence outlined above, the variant was classified as uncertain significance.

NM_213653.4(HJV):c.863G>T (p.Arg288Leu)

Gene: HJV (hemojuvelin BMP co-receptor; minus strand). Cytogenetic location: 1q21.1.
Variant type: single nucleotide variant.
Coding change: c.863G>T on transcript NM_213653.4 (MANE Select); coding-DNA position 863, G replaced by T.
Protein change: p.Arg288Leu; replaces arginine 288 with leucine.
Molecular consequence: missense variant.
Genome position (GRCh38, 1-based): chr1:146,018,495, C>A on the plus strand (G>T on the coding strand, the complement: HJV is on the minus strand). VCF-style: chr1-146018495-C-A. GRCh37 (hg19) VCF-style: chr1-145416518-G-T.
Other names: c.185G>T, p.Arg62Leu (NM_001316767.2, NM_202004.4, NM_213652.4); c.863G>T, p.Arg288Leu (NM_001379352.1); c.524G>T, p.Arg175Leu (NM_145277.5); short protein forms R175L, R288L, R62L.
Identifiers: ClinVar variation 4687694 (VCV004687694.1).